The following is an entry in ClinVar:

NM_000440.3(PDE6A):c.192_202del (p.Leu65fs)

Gene: PDE6A (phosphodiesterase 6A; minus strand). Cytogenetic location: 5q32.
Variant type: Deletion.
Coding change: c.192_202del on transcript NM_000440.3 (MANE Select); coding-DNA positions 192 to 202, 11 bases deleted (CCTGCGGGACT).
Protein change: p.Leu65fs; shifts the reading frame from leucine 65.
Molecular consequence: frameshift variant.
Genome position (GRCh38, 1-based): chr5:149,944,472-149,944,482, AGTCCCGCAGG deleted on the plus strand (CCTGCGGGACT on the coding strand, the reverse complement: PDE6A is on the minus strand); deleting any 11 consecutive bases within chr5:149,944,472-149,944,484 gives the same sequence; the c. name uses the placement nearest the transcript's 3' end. VCF-style (leftmost placement, unchanged base first): chr5-149944471-AAGTCCCGCAGG-A. GRCh37 (hg19) VCF-style: chr5-149324034-AAGTCCCGCAGG-A.
Other names: c.192_202del, p.Leu65fs (NM_001410788.1); short protein forms L65fs.
Identifiers: ClinVar variation 2876935 (VCV002876935.3), dbSNP rs2480712420, ClinGen allele CA2739272742.
Genomic context (GRCh38, chr5:149,944,471, plus strand): 5'-AGGAAGCACAGCTTCTTCATGACATTGAAGATGCATTTCTCTGTCTGTAAATTCTCCTGA[AAGTCCCGCAGG>A]AGATCAAAGATGATTTCGCTCTCCTCCATGCTGCTCGGGGAGTGGTAGTTGCTGAAGTCC-3'

ClinVar aggregate classification (germline): Pathogenic (1 of 4 stars; one submission).

Submission:

Labcorp Genetics (formerly Invitae), Labcorp
Classification: Pathogenic. Last evaluated: 2023-04-25. Review status: criteria provided, single submitter. Criteria: Invitae Variant Classification Sherloc (09022015). Collection method: clinical testing. Allele origin: germline.
Comment: For these reasons, this variant has been classified as Pathogenic. This variant has not been reported in the literature in individuals affected with PDE6A-related conditions. This variant is not present in population databases (gnomAD no frequency). This sequence change creates a premature translational stop signal (p.Leu65Serfs*80) in the PDE6A gene. It is expected to result in an absent or disrupted protein product. Loss-of-function variants in PDE6A are known to be pathogenic (PMID: 7493036, 22128245, 23847139).

Literature cited by the submitters: PubMed 7493036; PubMed 22128245; PubMed 23847139.